The following is an entry in ClinVar:

NM_005097.4(LGI1):c.1176G>C (p.Gln392His)

Gene: LGI1 (leucine rich glioma inactivated 1; plus strand). Cytogenetic location: 10q23.33.
Variant type: single nucleotide variant.
Coding change: c.1176G>C on transcript NM_005097.4 (MANE Select); coding-DNA position 1176, G replaced by C.
Protein change: p.Gln392His; replaces glutamine 392 with histidine.
Molecular consequence: missense variant. On other transcripts: non-coding transcript variant (1), intron variant (1).
Genome position (GRCh38, 1-based): chr10:93,797,305, G>C. VCF-style: chr10-93797305-G-C. GRCh37 (hg19) VCF-style: chr10-95557062-G-C.
Other names: c.1176G>C (NM_005097.2); c.1032G>C, p.Gln344His (NM_001308276.2); c.839-444G>C (NM_001308275.2); short protein forms Q392H, Q344H.
Identifiers: ClinVar variation 2888939 (VCV002888939.4), dbSNP rs768080880, ClinGen allele CA5611233.

ClinVar aggregate classification (germline): Uncertain significance. Review status: criteria provided, multiple submitters, no conflicts (2 of 4 stars). 2 submissions from 2 submitters: Uncertain significance (2). Last evaluated 2025-02-26.

Conditions:
Autosomal dominant epilepsy with auditory features. Identifiers: Orphanet 101046, MedGen C1838062, MONDO:0010898.
Inborn genetic diseases. Identifiers: MedGen C0950123, MeSH D030342.

Allele frequency attached by ClinVar (database versions not stated): gnomAD exomes below 0.00001; ExAC 0.00002; TOPMed below 0.00001; gnomAD 0.00001.
gnomAD v4.1: 3 of 1,614,070 alleles (0.00019%); highest among the groups gnomAD compares: Non-Finnish European, 0.00025%; no homozygotes.

Submissions (2):

Ambry Genetics
Classification: Uncertain significance for Inborn genetic diseases. Last evaluated: 2025-02-26. Review status: criteria provided, single submitter. Criteria: Ambry Variant Classification Scheme 2023. Collection method: clinical testing. Allele origin: germline.

Labcorp Genetics (formerly Invitae), Labcorp
Classification: Uncertain significance for Autosomal dominant epilepsy with auditory features. Last evaluated: 2024-01-19. Review status: criteria provided, single submitter. Criteria: Invitae Variant Classification Sherloc (09022015). Collection method: clinical testing. Allele origin: germline.
Comment: This sequence change replaces glutamine, which is neutral and polar, with histidine, which is basic and polar, at codon 392 of the LGI1 protein (p.Gln392His). This variant is present in population databases (rs768080880, gnomAD 0.002%). This variant has not been reported in the literature in individuals affected with LGI1-related conditions. An algorithm developed to predict the effect of missense changes on protein structure and function (PolyPhen-2) suggests that this variant is likely to be tolerated. In summary, the available evidence is currently insufficient to determine the role of this variant in disease. Therefore, it has been classified as a Variant of Uncertain Significance.